The following is an entry in ClinVar:

ClinVar aggregate classification (germline): Conflicting classifications of pathogenicity. Review status: criteria provided, conflicting classifications (1 of 4 stars). 2 submissions from 2 submitters: Uncertain significance (1); Likely benign (1). Last evaluated 2025-03-04.

gnomAD v4.1: 6 of 1,569,026 alleles (0.00038%); highest among the groups gnomAD compares: East Asian, 0.0047%; no homozygotes.

Submissions (2):

Labcorp Genetics (formerly Invitae), Labcorp
Classification: Uncertain significance. Last evaluated: 2025-03-04. Review status: criteria provided, single submitter. Criteria: Invitae Variant Classification Sherloc (09022015). Collection method: clinical testing. Allele origin: germline.
Comment: This sequence change falls in intron 47 of the MYO7A gene. It does not directly change the encoded amino acid sequence of the MYO7A protein. It affects a nucleotide within the consensus splice site. The frequency data for this variant in the population databases is considered unreliable, as metrics indicate poor data quality at this position in the gnomAD database. This variant has not been reported in the literature in individuals affected with MYO7A-related conditions. Variants that disrupt the consensus splice site are a relatively common cause of aberrant splicing (PMID: 17576681, 9536098). Algorithms developed to predict the effect of sequence changes on RNA splicing suggest that this variant is not likely to affect RNA splicing. In summary, the available evidence is currently insufficient to determine the role of this variant in disease. Therefore, it has been classified as a Variant of Uncertain Significance.

Blueprint Genetics
Classification: Likely benign. Last evaluated: 2023-08-14. Review status: criteria provided, single submitter. Criteria: ACMG Guidelines, 2015. Collection method: clinical testing. Allele origin: germline.

Literature cited by the submitters: PubMed 17576681 (cited by Labcorp Genetics (formerly Invitae), Labcorp); PubMed 9536098 (cited by Labcorp Genetics (formerly Invitae), Labcorp).

NM_000260.4(MYO7A):c.6438+3G>A

Gene: MYO7A (myosin VIIA; plus strand). Cytogenetic location: 11q13.5.
Variant type: single nucleotide variant.
Coding change: c.6438+3G>A on transcript NM_000260.4 (MANE Select); 3 bases into the intron after coding-DNA position 6438, G replaced by A.
Molecular consequence: intron variant.
Genome position (GRCh38, 1-based): chr11:77,213,038, G>A. VCF-style: chr11-77213038-G-A. GRCh37 (hg19) VCF-style: chr11-76924083-G-A.
Other names: c.6291+3G>A (NM_001369365.1); c.6318+3G>A (NM_001127180.2).
Identifiers: ClinVar variation 4751476 (VCV004751476.2).
Genomic context (GRCh38, chr11:77,213,038, plus strand): 5'-GATCCTCCTAATTGCCATCAACAAGTATGGGGTCAGCCTCATCGATCCCAAAACGAAGGT[G>A]AGCAGGGATAAGGCAGCAAGTGGGGGCGGGCTTCTCTGCCTGAACCACAGACACGGTCCC-3'